The following is an entry in ClinVar:

NM_001458.5(FLNC):c.4593C>G (p.Ile1531Met)

Gene: FLNC (filamin C; plus strand). Cytogenetic location: 7q32.1.
Variant type: single nucleotide variant.
Coding change: c.4593C>G on transcript NM_001458.5 (MANE Select); coding-DNA position 4593, C replaced by G.
Protein change: p.Ile1531Met; replaces isoleucine 1531 with methionine.
Molecular consequence: missense variant.
Genome position (GRCh38, 1-based): chr7:128,848,573, C>G. VCF-style: chr7-128848573-C-G. GRCh37 (hg19) VCF-style: chr7-128488627-C-G.
Other names: c.4593C>G, p.Ile1531Met (NM_001127487.2); short protein forms I1531M.
Identifiers: ClinVar variation 539443 (VCV000539443.7), dbSNP rs371988433, ClinGen allele CA4475399.

ClinVar aggregate classification (germline): Uncertain significance. Review status: criteria provided, multiple submitters, no conflicts (2 of 4 stars). 2 submissions from 2 submitters: Uncertain significance (2). Last evaluated 2026-07-07.

Conditions:
Hypertrophic cardiomyopathy 26. Also called: Cardiomyopathy, familial hypertrophic, 26. Identifiers: Orphanet 75249, MedGen C4310749, MONDO:0014883, OMIM 617047.
Myofibrillar myopathy 5. Also called: Filaminopathy (type); FILAMINOPATHY, AUTOSOMAL DOMINANT. Identifiers: Orphanet 171445, MedGen C1836050, MONDO:0012289, OMIM 609524.
Distal myopathy with posterior leg and anterior hand involvement. Also called: WILLIAMS DISTAL MYOPATHY. Identifiers: Orphanet 63273, MedGen C3279722, MONDO:0013550, OMIM 614065.
Cardiovascular phenotype. Identifiers: MedGen CN230736.

Allele frequency attached by ClinVar (database versions not stated): gnomAD exomes below 0.00001; TOPMed below 0.00001; ExAC 0.00001; ESP Exome Variant Server 0.00008.
gnomAD v4.1: 2 of 1,613,984 alleles (0.00012%); highest among the groups gnomAD compares: Non-Finnish European, 0.00017%; no homozygotes.

Submissions (2):

Ambry Genetics
Classification: Uncertain significance for Cardiovascular phenotype. Last evaluated: 2026-07-07. Review status: criteria provided, single submitter. Criteria: Ambry Variant Classification Scheme 2023. Collection method: clinical testing. Allele origin: germline.
Comment: The p.I1531M variant (also known as c.4593C>G), located in coding exon 27 of the FLNC gene, results from a C to G substitution at nucleotide position 4593. The isoleucine at codon 1531 is replaced by methionine, an amino acid with highly similar properties. This amino acid position is conserved. In addition, this alteration is predicted to be tolerated by in silico analysis. Based on the available evidence, the clinical significance of this variant remains unclear.

Labcorp Genetics (formerly Invitae), Labcorp
Classification: Uncertain significance for Distal myopathy with posterior leg and anterior hand involvement; Myofibrillar myopathy 5; Hypertrophic cardiomyopathy 26. Last evaluated: 2022-03-18. Review status: criteria provided, single submitter. Criteria: Invitae Variant Classification Sherloc (09022015). Collection method: clinical testing. Allele origin: germline.
Comment: In summary, the available evidence is currently insufficient to determine the role of this variant in disease. Therefore, it has been classified as a Variant of Uncertain Significance. Algorithms developed to predict the effect of missense changes on protein structure and function are either unavailable or do not agree on the potential impact of this missense change (SIFT: "Deleterious"; PolyPhen-2: "Possibly Damaging"; Align-GVGD: "Class C0"). ClinVar contains an entry for this variant (Variation ID: 539443). This variant has not been reported in the literature in individuals affected with FLNC-related conditions. This variant is present in population databases (rs371988433, gnomAD 0.0009%). This sequence change replaces isoleucine, which is neutral and non-polar, with methionine, which is neutral and non-polar, at codon 1531 of the FLNC protein (p.Ile1531Met).